The following is an entry in ClinVar:

ClinVar aggregate classification (germline): Uncertain significance (1 of 4 stars; one submission).

Conditions:
Charcot-Marie-Tooth disease type 4. Also called: Charcot-Marie-Tooth disease, type IV; Charcot-Marie-Tooth, Type 4. Identifiers: Orphanet 64749, MedGen C4082197, MONDO:0018995.

Submission:

Labcorp Genetics (formerly Invitae), Labcorp
Classification: Uncertain significance for Charcot-Marie-Tooth disease type 4. Last evaluated: 2019-12-15. Review status: criteria provided, single submitter. Criteria: Invitae Variant Classification Sherloc (09022015). Collection method: clinical testing. Allele origin: germline.
Comment: In summary, the available evidence is currently insufficient to determine the role of this variant in disease. Therefore, it has been classified as a Variant of Uncertain Significance. Algorithms developed to predict the effect of sequence changes on RNA splicing suggest that this variant may create or strengthen a splice site, but this prediction has not been confirmed by published transcriptional studies. Experimental studies and prediction algorithms are not available or were not evaluated, and the functional significance of this variant is currently unknown. This variant has not been reported in the literature in individuals with NDRG1-related conditions. This variant is not present in population databases (ExAC no frequency). This variant, c.1062_1091dup, results in the insertion of 10 amino acid(s) to the NDRG1 protein (p.Thr360_Gly369dup), but otherwise preserves the integrity of the reading frame.

NM_006096.4(NDRG1):c.1062_1091dup (p.340_349TRSRSHTSEG[4])

Gene: NDRG1 (N-myc downstream regulated 1; minus strand). Cytogenetic location: 8q24.22.
Variant type: Duplication.
Coding change: c.1062_1091dup on transcript NM_006096.4 (MANE Select); coding-DNA positions 1062 to 1091, 30 bases duplicated (CCACACCAGCGAGGGCACCCGCAGCCGCTC).
Protein change: p.340_349TRSRSHTSEG[4].
Molecular consequence: inframe insertion.
Genome position (GRCh38, 1-based): chr8:133,238,972-133,239,001, GAGCGGCTGCGGGTGCCCTCGCTGGTGTGG duplicated on the plus strand (CCACACCAGCGAGGGCACCCGCAGCCGCTC on the coding strand, the reverse complement: NDRG1 is on the minus strand); duplicating any 30 consecutive bases within chr8:133,238,972-133,239,009 gives the same sequence; the c. name uses the placement nearest the transcript's 3' end. VCF-style (leftmost placement, unchanged base first): chr8-133238971-C-CGAGCGGCTGCGGGTGCCCTCGCTGGTGTGG. GRCh37 (hg19) VCF-style: chr8-134251214-C-CGAGCGGCTGCGGGTGCCCTCGCTGGTGTGG.
Other names: c.1062_1091dup, p.340_349TRSRSHTSEG[4] (NM_001135242.2, NM_001374845.1, NM_001374846.1); c.864_893dup, p.274_283TRSRSHTSEG[4] (NM_001258432.2, NM_001374847.1); c.819_848dup, p.259_268TRSRSHTSEG[4] (NM_001258433.2); c.1113_1142dup, p.357_366TRSRSHTSEG[4] (NM_001374844.1).
Identifiers: ClinVar variation 860875 (VCV000860875.8), dbSNP rs763499117, ClinGen allele CA585277942.
Genomic context (GRCh38, chr8:133,238,971, plus strand): 5'-GCTGTTCCCAGCAGCACCCGAGTTGGGGGTGATGTCCAGGTGGGCCCCCTCGCTGGTGTG[C>CGAGCGGCTGCGGGTGCCCTCGCTGGTGTGG]GAGCGGCTGCGGGTGCCCTCGCTGGTGTGGGAGCGGCTTCGGGTGCCCTCGCTGGTGTGG-3'